The following is an entry in ClinVar:

ClinVar aggregate classification (germline): Uncertain significance (1 of 4 stars; one submission).

Allele frequency attached by ClinVar (database versions not stated): gnomAD exomes 0.00002.

Submission:

Labcorp Genetics (formerly Invitae), Labcorp
Classification: Uncertain significance. Last evaluated: 2025-10-09. Review status: criteria provided, single submitter. Criteria: Invitae Variant Classification Sherloc (09022015). Collection method: clinical testing. Allele origin: germline.
Comment: This sequence change replaces isoleucine, which is neutral and non-polar, with valine, which is neutral and non-polar, at codon 2578 of the VCAN protein (p.Ile2578Val). This variant is present in population databases (no rsID available, gnomAD 0.003%). This variant has not been reported in the literature in individuals affected with VCAN-related conditions. ClinVar contains an entry for this variant (Variation ID: 1955365). An algorithm developed to predict the effect of missense changes on protein structure and function (PolyPhen-2) suggests that this variant is likely to be disruptive. In summary, the available evidence is currently insufficient to determine the role of this variant in disease. Therefore, it has been classified as a Variant of Uncertain Significance.

NM_004385.5(VCAN):c.7732A>G (p.Ile2578Val)

Genes: VCAN (versican; plus strand), VCAN-AS1 (VCAN antisense RNA 1; minus strand). Cytogenetic location: 5q14.3.
Variant type: single nucleotide variant.
Coding change: c.7732A>G on transcript NM_004385.5 (MANE Select); coding-DNA position 7732, A replaced by G.
Protein change: p.Ile2578Val; replaces isoleucine 2578 with valine.
Molecular consequence: missense variant. On other transcripts: intron variant (2).
Genome position (GRCh38, 1-based): chr5:83,540,735, A>G. VCF-style: chr5-83540735-A-G. GRCh37 (hg19) VCF-style: chr5-82836554-A-G.
Other names: c.4771A>G, p.Ile1591Val (NM_001164097.2); c.4004-4802A>G (NM_001164098.2); c.1043-4802A>G (NM_001126336.3); short protein forms I1591V, I2578V.
Identifiers: ClinVar variation 1955365 (VCV001955365.5), dbSNP rs940292788, ClinGen allele CA121811254.